The following is an entry in ClinVar:

ClinVar aggregate classification (germline): Uncertain significance (1 of 4 stars; one submission).

Submission:

GeneDx
Classification: Uncertain significance. Last evaluated: 2015-10-09. Review status: criteria provided, single submitter. Criteria: GeneDx Variant Classification (06012015). Collection method: clinical testing. Allele origin: germline. Affected: yes.
Comment: The c.1694+2T>C variant in the BRAF gene has not been reported previously as a pathogenic variant nor as a benign variant, to our knowledge. This splice site variant destroys the canonical splice donor site in intron 13 and could result in in-frame skipping of exon 13. Exon 13 encodes amino acids 506-565, which comprise part of the protein kinase domain of the protein, and it is likely that this deletion disrupts the kinase activation pocket (Roskoski et al., 2010). However, in the absence of RNA/functional studies, the exact result of this variant is unknown. Additionally, no loss of function pathogenic variants in the BRAF gene are reported in the Human Gene Mutation Database (Stenson et al., 2014). The c.1694+2T>C variant was not observed in approximately 6500 individuals of European and African American ancestry in the NHLBI Exome Sequencing Project, indicating it is not a common benign variant in these populations. We interpret c.1694+2T>C as a variant of uncertain significance

NM_004333.6(BRAF):c.1694+2T>C

Gene: BRAF (B-Raf proto-oncogene, serine/threonine kinase; minus strand). Cytogenetic location: 7q34.
Variant type: single nucleotide variant.
Coding change: c.1694+2T>C on transcript NM_004333.6 (MANE Select); the canonical splice donor site of the intron after coding-DNA position 1694, T replaced by C.
Molecular consequence: splice donor variant.
Genome position (GRCh38, 1-based): chr7:140,776,910, A>G on the plus strand (T>C on the coding strand, the complement: BRAF is on the minus strand). VCF-style: chr7-140776910-A-G. GRCh37 (hg19) VCF-style: chr7-140476710-A-G.
Other names: c.1694+2T>C (NM_001378474.1, NM_001378468.1, NM_001354609.2); c.1592+2T>C (NM_001378470.1); c.1430+2T>C (NM_001378475.1); c.1583+2T>C (NM_001378471.1); c.1814+2T>C (NM_001374258.1, NM_001374244.1); c.1703+2T>C (NM_001378467.1); c.1538+2T>C (NM_001378472.1, NM_001378473.1); c.1628+2T>C (NM_001378469.1).
Identifiers: ClinVar variation 372696 (VCV000372696.2), dbSNP rs1057517930, ClinGen allele CA16042669.